The following is an entry in ClinVar:

ClinVar aggregate classification (germline): Benign/Likely benign. Review status: criteria provided, multiple submitters, no conflicts (2 of 4 stars). 9 submissions from 9 submitters: Benign (7); Likely benign (2). Last evaluated 2026-09-01.

Conditions:
Spastic paraplegia. Identifiers: MedGen C0037772, HP:0001258.
Hereditary spastic paraplegia. Also called: Familial spastic paraparesis. Identifiers: Orphanet 685, MedGen C0037773, MONDO:0019064. Disease mechanism: loss of function.
Hereditary spastic paraplegia 15 (SPG15). Also called: KJELLIN SYNDROME; SPASTIC PARAPLEGIA AND RETINAL DEGENERATION; SPASTIC PARAPLEGIA 15, AUTOSOMAL RECESSIVE. Identifiers: Orphanet 100996, MedGen C1849128, MONDO:0010044, OMIM 270700.

Allele frequency attached by ClinVar (database versions not stated): 1000 Genomes Project 30x 0.00578; 1000 Genomes Project 0.00579; TOPMed 0.00863; gnomAD 0.00888 and 0.00891; ESP Exome Variant Server 0.00892; ExAC 0.00894; gnomAD exomes 0.00927.
gnomAD v4.1: 17,595 of 1,613,474 alleles (1.1%); highest among the groups gnomAD compares: Middle Eastern, 1.8%; 138 homozygotes.

Submissions (9):

CeGaT Center for Human Genetics Tuebingen
Classification: Benign. Last evaluated: 2026-09-01. Review status: criteria provided, single submitter. Criteria: CeGaT Center For Human Genetics Tuebingen Variant Classification Criteria Version 2. Collection method: clinical testing. Allele origin: germline. Affected: yes. Observed: 65 variant alleles.
Comment: ZFYVE26: BP4, BS1, BS2

Labcorp Genetics (formerly Invitae), Labcorp
Classification: Benign for Spastic paraplegia. Last evaluated: 2026-02-02. Review status: criteria provided, single submitter. Criteria: Invitae Variant Classification Sherloc (09022015). Collection method: clinical testing. Allele origin: germline.

Genome-Nilou Lab
Classification: Benign for Hereditary spastic paraplegia 15. Last evaluated: 2021-12-05. Review status: criteria provided, single submitter. Criteria: ACMG Guidelines, 2015. Collection method: clinical testing. Allele origin: germline. Affected: no.

Genome Diagnostics Laboratory, The Hospital for Sick Children
Classification: Benign for Hereditary spastic paraplegia. Last evaluated: 2021-10-29. Review status: criteria provided, single submitter. Criteria: ACMG Guidelines, 2015. Collection method: clinical testing. Allele origin: germline. Affected: yes.

Athena Diagnostics
Classification: Benign. Last evaluated: 2018-12-26. Review status: criteria provided, single submitter. Criteria: Athena Diagnostics Criteria. Collection method: clinical testing. Allele origin: germline.

Illumina Laboratory Services, Illumina
Classification: Likely benign for Hereditary spastic paraplegia 15. Last evaluated: 2018-01-12. Review status: criteria provided, single submitter. Criteria: ICSL Variant Classification Criteria 13 December 2019. Collection method: clinical testing. Allele origin: germline.
Comment: This variant was observed in the ICSL laboratory as part of a predisposition screen in an ostensibly healthy population. It had not been previously curated by ICSL or reported in the Human Gene Mutation Database (HGMD: prior to June 1st, 2018), and was therefore a candidate for classification through an automated scoring system. Utilizing variant allele frequency, disease prevalence and penetrance estimates, and inheritance mode, an automated score was calculated to assess if this variant is too frequent to cause the disease. Based on the score and internal cut-off values, a variant classified as likely benign is not then subjected to further curation. The score for this variant resulted in a classification of likely benign for this disease.

GeneDx
Classification: Benign. Last evaluated: 2016-07-06. Review status: criteria provided, single submitter. Criteria: GeneDx Variant Classification (06012015). Collection method: clinical testing. Allele origin: germline. Affected: yes.
Comment: This variant is considered likely benign or benign based on one or more of the following criteria: it is a conservative change, it occurs at a poorly conserved position in the protein, it is predicted to be benign by multiple in silico algorithms, and/or has population frequency not consistent with disease.

Mayo Clinic Laboratories, Mayo Clinic
Classification: Benign. Last evaluated: 2016-04-13. Review status: criteria provided, single submitter. Criteria: ACMG Guidelines, 2015. Collection method: clinical testing. Allele origin: germline. Observed: 47 variant alleles.

Breakthrough Genomics
Classification: Likely benign. Review status: criteria provided, single submitter. Criteria: ACMG Guidelines, 2015. Collection method: not provided. Allele origin: germline. Inheritance: Autosomal recessive inheritance. Affected: yes.

Literature cited by the submitters: PubMed 25133958 (cited by Athena Diagnostics); PubMed 19917823 (cited by Athena Diagnostics).

NM_015346.4(ZFYVE26):c.1844C>T (p.Ser615Phe)

Gene: ZFYVE26 (zinc finger FYVE-type containing 26; minus strand). Cytogenetic location: 14q24.1.
Variant type: single nucleotide variant.
Coding change: c.1844C>T on transcript NM_015346.4 (MANE Select); coding-DNA position 1844, C replaced by T.
Protein change: p.Ser615Phe; replaces serine 615 with phenylalanine.
Molecular consequence: missense variant.
Genome position (GRCh38, 1-based): chr14:67,798,418, G>A on the plus strand (C>T on the coding strand, the complement: ZFYVE26 is on the minus strand). VCF-style: chr14-67798418-G-A. GRCh37 (hg19) VCF-style: chr14-68265135-G-A.
Other names: p.Ser615Phe; short protein forms S615F.
Identifiers: ClinVar variation 219559 (VCV000219559.52), dbSNP rs117228915, ClinGen allele CA348490.
Genomic context (GRCh38, chr14:67,798,418, plus strand): 5'-AGGGAACCCCGTTCTGACTTCCTTTCAGGATGTGCTATGTGCTGAGGGCTCTCTGATGGG[G>A]ACCTCAAACCTGAGGGGCTCTTCCCCTCAATGTCATCATCCTCAGCATAGTCCTCAGGCA-3'
Protein context (NP_056161.2, residues 605-625): IEGKSPSGLR[Ser615Phe]PSESPQHIAH